The following is an entry in ClinVar:

ClinVar aggregate classification (germline): Uncertain significance (1 of 4 stars; one submission).

Conditions:
Surfactant metabolism dysfunction, pulmonary, 2 (SMDP2). Also called: DESQUAMATIVE INTERSTITIAL PNEUMONITIS DUE TO SURFACTANT PROTEIN C DEFICIENCY; INTERSTITIAL LUNG DISEASE DUE TO SURFACTANT PROTEIN C DEFICIENCY; PULMONARY ALVEOLAR PROTEINOSIS, CONGENITAL, 2. Identifiers: Orphanet 440392, MedGen C1970470, MONDO:0024465, OMIM 610913.

Allele frequency attached by ClinVar (database versions not stated): ExAC 0.00001.
gnomAD v4.1: 5 of 1,613,900 alleles (0.00031%); highest among the groups gnomAD compares: Non-Finnish European, 0.00042%; no homozygotes.

Submission:

Victorian Clinical Genetics Services, Murdoch Childrens Research Institute
Classification: Uncertain significance for Surfactant metabolism dysfunction, pulmonary, 2. Last evaluated: 2020-05-25. Review status: criteria provided, single submitter. Criteria: ACMG Guidelines, 2015. Collection method: clinical testing. Allele origin: germline. Inheritance: Autosomal dominant inheritance. Affected: yes.
Comment: Based on the classification scheme VCGS_Germline_v1.1.1, this variant is classified as a 3C-VUS. Following criteria are met: 0105 - The mechanism of disease for this gene is not clearly established. (N) 0107 - This gene is known to be associated with autosomal dominant disease. (N) 0112 - Variants in this gene are known to have reduced penetrance (PMID 11991887; PMID 17005585). (N) 0200 - Variant is predicted to result in a missense amino acid change from a proline to a leucine (exon 5). (N) 0251 - Variant is heterozygous. (N) 0302 - Variant is present in gnomAD <0.001 for a dominant condition (1 heterozygote, 0 homozygote). (P) 0502 - Missense variant with conflicting in silico predictions but has low conservation with a moderate amino acid change. (N) 0600 - Variant is located in an annotated domain or motif (BRICHOS motif region). (N) 0705 - No comparable variants have previous evidence for pathogenicity. (N) 0807 - Variant has not previously been reported in a clinical context. (N) 0905 - No segregation evidence has been identified for this variant. (N) 1007 - No published functional evidence has been identified for this variant. (N) Legend: (P) - Pathogenic, (N) - Neutral, (B) - Benign

Literature cited by the submitters: PubMed 11991887; PubMed 17005585.

NM_001317778.2(SFTPC):c.443C>T (p.Pro148Leu)

Gene: SFTPC (surfactant protein C; plus strand). Cytogenetic location: 8p21.3.
Variant type: single nucleotide variant.
Coding change: c.443C>T on transcript NM_001317778.2 (MANE Select); coding-DNA position 443, C replaced by T.
Protein change: p.Pro148Leu; replaces proline 148 with leucine.
Molecular consequence: missense variant.
Genome position (GRCh38, 1-based): chr8:22,163,908, C>T. VCF-style: chr8-22163908-C-T. GRCh37 (hg19) VCF-style: chr8-22021421-C-T.
Other names: c.443C>T, p.Pro148Leu (NM_001172357.2, NM_001317780.2, NM_001385656.1 and 3 more transcripts); c.461C>T, p.Pro154Leu (NM_001172410.2, NM_001385653.1, NM_001385654.1 and 2 more transcripts); c.302C>T, p.Pro101Leu (NM_001317779.2, NM_001385660.1); short protein forms P101L, P148L, P154L.
Identifiers: ClinVar variation 2500719 (VCV002500719.2), dbSNP rs752593536, ClinGen allele CA4664058.